The following is an entry in ClinVar:

NM_001369.3(DNAH5):c.6350_6351insCAAT (p.Lys2118fs)

Gene: DNAH5 (dynein axonemal heavy chain 5; minus strand). Cytogenetic location: 5p15.2.
Variant type: Insertion.
Coding change: c.6350_6351insCAAT on transcript NM_001369.3 (MANE Select); coding-DNA positions 6350 to 6351, CAAT inserted.
Protein change: p.Lys2118fs; shifts the reading frame from lysine 2118.
Molecular consequence: frameshift variant.
Genome position: GRCh38 VCF-style: chr5-13829603-C-CATTG. GRCh37 (hg19) VCF-style: chr5-13829712-C-CATTG.
Other names: short protein forms K2118fs.
Identifiers: ClinVar variation 5010761 (VCV005010761.1).

ClinVar aggregate classification (germline): Pathogenic (1 of 4 stars; one submission).

Conditions:
Primary ciliary dyskinesia 3. Identifiers: Orphanet 244, MedGen C1837618, MONDO:0012085, OMIM 608644.

Submission:

Myriad Genetics, Inc.
Classification: Pathogenic for Primary ciliary dyskinesia 3. Last evaluated: 2024-05-14. Review status: criteria provided, single submitter. Criteria: Myriad Autosomal Dominant, Autosomal Recessive and X-Linked Classification Criteria (2023). Collection method: clinical testing. Allele origin: unknown.
Comment: NM_001369.2(DNAH5):c.6350_6351insCAAT(K2118Nfs*5) is expected to be pathogenic in the context of primary ciliary dyskinesia, DNAH5-related. This variant is predicted to lead to an abnormal or absent protein product due to the creation of a premature termination codon in DNAH5, a gene where loss-of-function variants are known to be pathogenic. Please note: this variant was assessed in the context of healthy population screening.